The following is an entry in ClinVar:

NM_001166108.2(PALLD):c.172T>A (p.Phe58Ile)

Gene: PALLD (palladin, cytoskeletal associated protein; plus strand). Cytogenetic location: 4q32.3.
Variant type: single nucleotide variant.
Coding change: c.172T>A on transcript NM_001166108.2 (MANE Select); coding-DNA position 172, T replaced by A.
Protein change: p.Phe58Ile; replaces phenylalanine 58 with isoleucine.
Molecular consequence: missense variant.
Genome position (GRCh38, 1-based): chr4:168,511,676, T>A. VCF-style: chr4-168511676-T-A. GRCh37 (hg19) VCF-style: chr4-169432827-T-A.
Other names: c.172T>A, p.Phe58Ile (NM_016081.4); short protein forms F58I.
Identifiers: ClinVar variation 3226754 (VCV003226754.1), dbSNP rs1266953093, ClinGen allele CA358724923.

ClinVar aggregate classification (germline): Uncertain significance (1 of 4 stars; one submission).

Allele frequency attached by ClinVar (database versions not stated): gnomAD exomes below 0.00001.
gnomAD v4.1: 2 of 1,614,114 alleles (0.00012%); highest among the groups gnomAD compares: African/African-American, 0.0027%; no homozygotes.

Submission:

Ambry Genetics
Classification: Uncertain significance. Last evaluated: 2024-01-11. Review status: criteria provided, single submitter. Criteria: Ambry Variant Classification Scheme 2023. Collection method: clinical testing. Allele origin: germline.
Comment: The p.F58I variant (also known as c.172T>A), located in coding exon 1 of the PALLD gene, results from a T to A substitution at nucleotide position 172. The phenylalanine at codon 58 is replaced by isoleucine, an amino acid with highly similar properties. This amino acid position is conserved. In addition, this alteration is predicted to be tolerated by in silico analysis. Since supporting evidence is limited at this time, the clinical significance of this alteration remains unclear.